The following is an entry in ClinVar:

NM_176787.5(PIGN):c.1434_1434+1delinsAA

Gene: PIGN (phosphatidylinositol glycan anchor biosynthesis class N; minus strand). Cytogenetic location: 18q21.33.
Variant type: Indel.
Coding change: c.1434_1434+1delinsAA on transcript NM_176787.5 (MANE Select); coding-DNA position 1434 through the canonical splice donor site of the intron after coding-DNA position 1434, GG replaced by AA.
Molecular consequence: splice donor variant.
Genome position (GRCh38, 1-based): chr18:62,113,133-62,113,134, CC replaced by TT on the plus strand (GG replaced by AA on the coding strand, the reverse complement: PIGN is on the minus strand). VCF-style: chr18-62113133-CC-TT. GRCh37 (hg19) VCF-style: chr18-59780366-CC-TT.
Other names: c.1434_1434+1delinsAA (NM_012327.6).
Identifiers: ClinVar variation 280280 (VCV000280280.9), dbSNP rs886041514, ClinGen allele CA10603624.

ClinVar aggregate classification (germline): Likely pathogenic. Review status: criteria provided, multiple submitters, no conflicts (2 of 4 stars). 3 submissions from 3 submitters: Likely pathogenic (3). Last evaluated 2026-09-17.

Conditions:
Multiple congenital anomalies-hypotonia-seizures syndrome 1 (MCAHS1). Also called: PIGN-CDG; Congenital disorder of glycosylation due to PIGN deficiency; GLYCOSYLPHOSPHATIDYLINOSITOL BIOSYNTHESIS DEFECT 3. Identifiers: Orphanet 280633, MedGen C3279775, MONDO:0013563, OMIM 614080.

Submissions (3):

GeneDx
Classification: Likely pathogenic. Last evaluated: 2026-09-17. Review status: criteria provided, single submitter. Criteria: GeneDx Variant Classification Process June 2021. Collection method: clinical testing. Allele origin: germline.
Comment: Not observed at significant frequency in large population cohorts (gnomAD); Canonical splice site variant predicted to result in an in-frame loss of the adjacent exon in a gene for which loss of function is a known mechanism of disease; Also known as c.1434+1delGGinsAA; This variant is associated with the following publications: (PMID: 35179230)

Labcorp Genetics (formerly Invitae), Labcorp
Classification: Likely pathogenic for Multiple congenital anomalies-hypotonia-seizures syndrome 1. Last evaluated: 2024-05-15. Review status: criteria provided, single submitter. Criteria: Invitae Variant Classification Sherloc (09022015). Collection method: clinical testing. Allele origin: germline.
Comment: This variant results in the deletion of part of exon 16 (c.1434_1434+1delinsAA) of the PIGN gene. It is expected to disrupt RNA splicing. Variants that disrupt the donor or acceptor splice site typically lead to a loss of protein function (PMID: 16199547), and loss-of-function variants in PIGN are known to be pathogenic (PMID: 24253414, 27038415). Information on the frequency of this variant in the gnomAD database is not available, as this variant may be reported differently in the database. This variant has been observed in individual(s) with PIGN-related condition (PMID: 35179230). This variant is also known as c.1434+1delGGinsAA. ClinVar contains an entry for this variant (Variation ID: 280280). In summary, the currently available evidence indicates that the variant is pathogenic, but additional data are needed to prove that conclusively. Therefore, this variant has been classified as Likely Pathogenic.

Fulgent Genetics
Classification: Likely pathogenic for Multiple congenital anomalies-hypotonia-seizures syndrome 1. Last evaluated: 2024-04-07. Review status: criteria provided, single submitter. Criteria: ACMG Guidelines, 2015. Collection method: clinical testing. Allele origin: germline.

Literature cited by the submitters: PubMed 16199547 (cited by Labcorp Genetics (formerly Invitae), Labcorp); PubMed 24253414 (cited by Labcorp Genetics (formerly Invitae), Labcorp); PubMed 27038415 (cited by Labcorp Genetics (formerly Invitae), Labcorp); PubMed 35179230 (cited by Labcorp Genetics (formerly Invitae), Labcorp).